The following is an entry in ClinVar:

ClinVar aggregate classification (germline): Uncertain significance. Review status: criteria provided, multiple submitters, no conflicts (2 of 4 stars). 2 submissions from 2 submitters: Uncertain significance (2). Last evaluated 2025-06-07.

Conditions:
Inborn genetic diseases. Identifiers: MedGen C0950123, MeSH D030342.

Submissions (2):

Ambry Genetics
Classification: Uncertain significance for Inborn genetic diseases. Last evaluated: 2025-06-07. Review status: criteria provided, single submitter. Criteria: Ambry Variant Classification Scheme 2023. Collection method: clinical testing. Allele origin: germline.

Labcorp Genetics (formerly Invitae), Labcorp
Classification: Uncertain significance. Last evaluated: 2023-07-10. Review status: criteria provided, single submitter. Criteria: Invitae Variant Classification Sherloc (09022015). Collection method: clinical testing. Allele origin: germline.
Comment: ClinVar contains an entry for this variant (Variation ID: 2111862). In summary, the available evidence is currently insufficient to determine the role of this variant in disease. Therefore, it has been classified as a Variant of Uncertain Significance. An algorithm developed to predict the effect of missense changes on protein structure and function (PolyPhen-2) suggests that this variant is likely to be tolerated. This variant has not been reported in the literature in individuals affected with HPS5-related conditions. This variant is not present in population databases (gnomAD no frequency). This sequence change replaces methionine, which is neutral and non-polar, with valine, which is neutral and non-polar, at codon 245 of the HPS5 protein (p.Met245Val).

NM_181507.2(HPS5):c.733A>G (p.Met245Val)

Gene: HPS5 (HPS5 biogenesis of lysosomal organelles complex 2 subunit 2; minus strand). Cytogenetic location: 11p15.1.
Variant type: single nucleotide variant.
Coding change: c.733A>G on transcript NM_181507.2 (MANE Select); coding-DNA position 733, A replaced by G.
Protein change: p.Met245Val; replaces methionine 245 with valine.
Molecular consequence: missense variant.
Genome position (GRCh38, 1-based): chr11:18,306,226, T>C on the plus strand (A>G on the coding strand, the complement: HPS5 is on the minus strand). VCF-style: chr11-18306226-T-C. GRCh37 (hg19) VCF-style: chr11-18327773-T-C.
Other names: c.391A>G, p.Met131Val (NM_181508.2, NM_007216.4); short protein forms M245V, M131V.
Identifiers: ClinVar variation 2111862 (VCV002111862.5), dbSNP rs760024456, ClinGen allele CA379502353.